The following is an entry in ClinVar:

NM_004963.4(GUCY2C):c.803T>C (p.Ile268Thr)

Genes: GUCY2C (guanylate cyclase 2C; minus strand), GUCY2C-AS1 (GUCY2C antisense RNA 1; plus strand). Cytogenetic location: 12p12.3.
Variant type: single nucleotide variant.
Coding change: c.803T>C on transcript NM_004963.4 (MANE Select); coding-DNA position 803, T replaced by C.
Protein change: p.Ile268Thr; replaces isoleucine 268 with threonine.
Molecular consequence: missense variant.
Genome position (GRCh38, 1-based): chr12:14,679,684, A>G on the plus strand (T>C on the coding strand, the complement: GUCY2C is on the minus strand). VCF-style: chr12-14679684-A-G. GRCh37 (hg19) VCF-style: chr12-14832618-A-G.
Other names: short protein forms I268T.
Identifiers: ClinVar variation 2896044 (VCV002896044.3), dbSNP rs745348978, ClinGen allele CA6463653.
Genomic context (GRCh38, chr12:14,679,684, plus strand): 5'-AAGGAGGAGGGTTTTTCCAAATGTTATACCTACTTGAAAAGATCCACTAGAATAATGACA[A>G]TGTCTTCAGCCACTGCTCGGTCACCCTTCAGCTTGTAGAGGAACTCTGGACCACCACACA-3'
Protein context (NP_004954.2, residues 258-278): LKGDRAVAED[Ile268Thr]VIILVDLFND

ClinVar aggregate classification (germline): Uncertain significance (1 of 4 stars; one submission).

Allele frequency attached by ClinVar (database versions not stated): gnomAD exomes 0.00001; TOPMed 0.00001; ExAC 0.00002; gnomAD 0.00002.
gnomAD v4.1: 16 of 1,583,124 alleles (0.001%); highest among the groups gnomAD compares: South Asian, 0.0011%; no homozygotes.

Submission:

Labcorp Genetics (formerly Invitae), Labcorp
Classification: Uncertain significance. Last evaluated: 2023-03-19. Review status: criteria provided, single submitter. Criteria: Invitae Variant Classification Sherloc (09022015). Collection method: clinical testing. Allele origin: germline.
Comment: This sequence change replaces isoleucine, which is neutral and non-polar, with threonine, which is neutral and polar, at codon 268 of the GUCY2C protein (p.Ile268Thr). This variant is present in population databases (rs745348978, gnomAD 0.02%). This variant has not been reported in the literature in individuals affected with GUCY2C-related conditions. Advanced modeling of protein sequence and biophysical properties (such as structural, functional, and spatial information, amino acid conservation, physicochemical variation, residue mobility, and thermodynamic stability) performed at Invitae indicates that this missense variant is not expected to disrupt GUCY2C protein function. In summary, the available evidence is currently insufficient to determine the role of this variant in disease. Therefore, it has been classified as a Variant of Uncertain Significance.